The following is an entry in ClinVar:

NM_003628.6(PKP4):c.2065G>A (p.Val689Ile)

Gene: PKP4 (plakophilin 4; plus strand). Cytogenetic location: 2q24.1.
Variant type: single nucleotide variant.
Coding change: c.2065G>A on transcript NM_003628.6 (MANE Select); coding-DNA position 2065, G replaced by A.
Protein change: p.Val689Ile; replaces valine 689 with isoleucine.
Molecular consequence: missense variant.
Genome position (GRCh38, 1-based): chr2:158,658,286, G>A. VCF-style: chr2-158658286-G-A. GRCh37 (hg19) VCF-style: chr2-159514798-G-A.
Other names: c.2065G>A, p.Val689Ile (NM_001005476.4, NM_001304971.2, NM_001377218.1 and 1 more transcripts); c.2062G>A, p.Val688Ile (NM_001304969.3, NM_001377219.1, NM_001377220.1 and 2 more transcripts); c.1036G>A, p.Val346Ile (NM_001304970.3); c.2059G>A, p.Val687Ile (NM_001377222.1, NM_001377223.1); c.2056G>A, p.Val686Ile (NM_001377224.1); short protein forms V346I, V686I, V688I, V689I, V687I.
Identifiers: ClinVar variation 3933355 (VCV003933355.1).

ClinVar aggregate classification (germline): Uncertain significance (1 of 4 stars; one submission).

gnomAD v4.1: 11 of 1,604,498 alleles (0.00069%); highest among the groups gnomAD compares: Non-Finnish European, 0.00094%; no homozygotes.

Submission:

Ambry Genetics
Classification: Uncertain significance. Last evaluated: 2025-06-01. Review status: criteria provided, single submitter. Criteria: Ambry Variant Classification Scheme 2023. Collection method: clinical testing. Allele origin: germline.
Comment: The p.V689I variant (also known as c.2065G>A), located in coding exon 11 of the PKP4 gene, results from a G to A substitution at nucleotide position 2065. The valine at codon 689 is replaced by isoleucine, an amino acid with highly similar properties. This amino acid position is conserved. In addition, this alteration is predicted to be tolerated by in silico analysis. Based on the available evidence, the clinical significance of this variant remains unclear.